The following is an entry in ClinVar:

NM_194449.4(PHLPP1):c.1785G>A (p.Val595=)

Gene: PHLPP1 (PH domain and leucine rich repeat protein phosphatase 1; plus strand). Cytogenetic location: 18q21.33.
Variant type: single nucleotide variant.
Coding change: c.1785G>A on transcript NM_194449.4 (MANE Select); coding-DNA position 1785, G replaced by A.
Protein change: p.Val595=; no amino-acid change (valine 595 retained).
Molecular consequence: synonymous variant.
Genome position (GRCh38, 1-based): chr18:62,838,795, G>A. VCF-style: chr18-62838795-G-A. GRCh37 (hg19) VCF-style: chr18-60506028-G-A.
Identifiers: ClinVar variation 2648790 (VCV002648790.24), dbSNP rs369245227, ClinGen allele CA8984954.

ClinVar aggregate classification (germline): Likely benign (1 of 4 stars; one submission).

Allele frequency attached by ClinVar (database versions not stated): ESP Exome Variant Server 0.00008; TOPMed 0.00012; gnomAD exomes 0.00014; ExAC 0.00017; gnomAD 0.00017.
gnomAD v4.1: 222 of 1,613,556 alleles (0.014%); highest among the groups gnomAD compares: Non-Finnish European, 0.017%; no homozygotes.

Submission:

CeGaT Center for Human Genetics Tuebingen
Classification: Likely benign. Last evaluated: 2022-11-01. Review status: criteria provided, single submitter. Criteria: CeGaT Center For Human Genetics Tuebingen Variant Classification Criteria Version 2. Collection method: clinical testing. Allele origin: germline. Affected: yes. Observed: 1 variant allele.
Comment: PHLPP1: BP4, BP7